The following is an entry in ClinVar:

NM_000722.4(CACNA2D1):c.528A>C (p.Ser176=)

Gene: CACNA2D1 (calcium voltage-gated channel auxiliary subunit alpha2delta 1; minus strand). Cytogenetic location: 7q21.11.
Variant type: single nucleotide variant.
Coding change: c.528A>C on transcript NM_000722.4 (MANE Select); coding-DNA position 528, A replaced by C.
Protein change: p.Ser176=; no amino-acid change (serine 176 retained).
Molecular consequence: synonymous variant.
Genome position (GRCh38, 1-based): chr7:82,084,899, T>G on the plus strand (A>C on the coding strand, the complement: CACNA2D1 is on the minus strand). VCF-style: chr7-82084899-T-G. GRCh37 (hg19) VCF-style: chr7-81714215-T-G.
Other names: c.528A>C (LRG_437t1); c.528A>C, p.Ser176= (NM_001302890.2, NM_001366867.1).
Identifiers: ClinVar variation 256768 (VCV000256768.19), dbSNP rs138577227, ClinGen allele CA4318327.

ClinVar aggregate classification (germline): Likely benign. Review status: criteria provided, multiple submitters, no conflicts (2 of 4 stars). 6 submissions from 6 submitters: Likely benign (6). Last evaluated 2025-11-01.

Conditions:
Cardiovascular phenotype. Identifiers: MedGen CN230736.
Brugada syndrome. Also called: Sudden Unexplained Death Syndrome; Sudden Unexplained Nocturnal Death Syndrome (SUNDS); Sudden unexplained nocturnal death syndrome; Sudden unexpected nocturnal death syndrome. Identifiers: Orphanet 130, MedGen C1142166, MONDO:0015263.

Allele frequency attached by ClinVar (database versions not stated): ExAC 0.00008; gnomAD 0.00008 and 0.00009; gnomAD exomes 0.00008 and 0.00010; TOPMed 0.00008.
gnomAD v4.1: 133 of 1,612,122 alleles (0.0082%); highest among the groups gnomAD compares: Non-Finnish European, 0.011%; no homozygotes.

Submissions (6):

CeGaT Center for Human Genetics Tuebingen
Classification: Likely benign. Last evaluated: 2025-11-01. Review status: criteria provided, single submitter. Criteria: CeGaT Center For Human Genetics Tuebingen Variant Classification Criteria Version 2. Collection method: clinical testing. Allele origin: germline. Affected: yes. Observed: 1 variant allele.
Comment: CACNA2D1: BP4, BP7

Labcorp Genetics (formerly Invitae), Labcorp
Classification: Likely benign for Brugada syndrome. Last evaluated: 2025-09-08. Review status: criteria provided, single submitter. Criteria: Invitae Variant Classification Sherloc (09022015). Collection method: clinical testing. Allele origin: germline.

Laboratory of Genetics, Children's Clinical University Hospital Latvia
Classification: Likely benign. Last evaluated: 2025-02-16. Review status: criteria provided, single submitter. Criteria: ACMG Guidelines, 2015. Collection method: clinical testing. Allele origin: germline. Affected: yes.

Ambry Genetics
Classification: Likely benign for Cardiovascular phenotype. Last evaluated: 2019-10-23. Review status: criteria provided, single submitter. Criteria: Ambry Variant Classification Scheme 2023. Collection method: clinical testing. Allele origin: germline.

GeneDx
Classification: Likely benign. Last evaluated: 2016-11-28. Review status: criteria provided, single submitter. Criteria: GeneDx Variant Classification (06012015). Collection method: clinical testing. Allele origin: germline. Affected: yes.
Comment: This variant is considered likely benign or benign based on one or more of the following criteria: it is a conservative change, it occurs at a poorly conserved position in the protein, it is predicted to be benign by multiple in silico algorithms, and/or has population frequency not consistent with disease.

PreventionGenetics, part of Exact Sciences
Classification: Likely benign. Review status: criteria provided, single submitter. Criteria: ACMG Guidelines, 2015. Collection method: clinical testing. Allele origin: germline.